The following is an entry in ClinVar:

NM_000026.4(ADSL):c.483-41_483-38del

Gene: ADSL (adenylosuccinate lyase; plus strand). Cytogenetic location: 22q13.1.
Variant type: Deletion.
Coding change: c.483-41_483-38del on transcript NM_000026.4 (MANE Select); 41 bases into the intron before coding-DNA position 483 through 38 bases into the intron before coding-DNA position 483, 4 bases deleted (TCTC; older notation c.483-41_483-38delTCTC).
Molecular consequence: intron variant.
Genome position (GRCh38, 1-based): chr22:40,358,823-40,358,826, TCTC deleted. VCF-style (leftmost placement, unchanged base first): chr22-40358822-GTCTC-G. GRCh37 (hg19) VCF-style: chr22-40754826-GTCTC-G.
Other names: c.483-41_483-38del (NM_001363840.3, NM_001123378.3); c.291-41_291-38del (NM_001317923.2).
Identifiers: ClinVar variation 670628 (VCV000670628.3), dbSNP rs3830737, ClinGen allele CA10247735.

ClinVar aggregate classification (germline): Benign. Review status: criteria provided, multiple submitters, no conflicts (2 of 4 stars). 2 submissions from 2 submitters: Benign (2). Last evaluated 2024-07-15.

Allele frequency attached by ClinVar (database versions not stated): ESP Exome Variant Server 0.13133; gnomAD 0.16562 and 0.16707; 1000 Genomes Project 0.16913; 1000 Genomes Project 30x 0.16989; TOPMed 0.17912; gnomAD exomes 0.18669 and 0.22092; ExAC 0.20733.

Submissions (2):

Unidad de Genómica Garrahan, Hospital de Pediatría Garrahan
Classification: Benign. Last evaluated: 2024-07-15. Review status: criteria provided, single submitter. Criteria: ACMG Guidelines, 2015. Collection method: clinical testing. Allele origin: germline. Affected: no. Observed: 55 variant alleles.
Comment: This variant is classified as Benign based on local population frequency. This variant was detected in 59% of patients studied in a panel designed for Epileptic and Developmental Encephalopathy and Progressive Myoclonus Epilepsy. Number of patients: 55. Only high quality variants are reported.

GeneDx
Classification: Benign. Last evaluated: 2018-06-14. Review status: criteria provided, single submitter. Criteria: GeneDx Variant Classification (06012015). Collection method: clinical testing. Allele origin: germline. Affected: yes.
Comment: This variant is considered likely benign or benign based on one or more of the following criteria: it is a conservative change, it occurs at a poorly conserved position in the protein, it is predicted to be benign by multiple in silico algorithms, and/or has population frequency not consistent with disease.